The following is an entry in ClinVar:

NM_004453.4(ETFDH):c.842T>C (p.Ile281Thr)

Gene: ETFDH (electron transfer flavoprotein dehydrogenase; plus strand). Cytogenetic location: 4q32.1.
Variant type: single nucleotide variant.
Coding change: c.842T>C on transcript NM_004453.4 (MANE Select); coding-DNA position 842, T replaced by C.
Protein change: p.Ile281Thr; replaces isoleucine 281 with threonine.
Molecular consequence: missense variant.
Genome position (GRCh38, 1-based): chr4:158,697,569, T>C. VCF-style: chr4-158697569-T-C. GRCh37 (hg19) VCF-style: chr4-159618721-T-C.
Other names: c.701T>C, p.Ile234Thr (NM_001281737.2); c.659T>C, p.Ile220Thr (NM_001281738.1); short protein forms I220T, I234T, I281T.
Identifiers: ClinVar variation 3896862 (VCV003896862.1).
Genomic context (GRCh38, chr4:158,697,569, plus strand): 5'-ACATTTTTAAAATACTGCAGGACTTTTTTGTTTGCTTTTTTTTTTTTTAGTTATGGGTTA[T>C]TGATGAAAAGAACTGGAAACCTGGGAGAGTAGATCACACTGTTGGTTGGCCCTTGGACAG-3'
Protein context (NP_004444.2, residues 271-291): YGIGLKELWV[Ile281Thr]DEKNWKPGRV

ClinVar aggregate classification (germline): Uncertain significance (1 of 4 stars; one submission).

Conditions:
Multiple acyl-CoA dehydrogenase deficiency (MADD). Also called: Glutaric Acidemia type 2; ETHYLMALONIC-ADIPICACIDURIA; GA II; Glutaric aciduria, type 2; Glutaric acidemia type II; GA 2. Identifiers: Orphanet 26791, MedGen C0268596, MONDO:0009282, OMIM 231680.

Submission:

Kariminejad - Najmabadi Pathology & Genetics Center
Classification: Uncertain significance for Multiple acyl-CoA dehydrogenase deficiency. Last evaluated: 2022-10-20. Review status: criteria provided, single submitter. Criteria: ACMG Guidelines, 2015. Collection method: clinical testing. Allele origin: germline. Inheritance: Autosomal recessive inheritance. Affected: yes.
Comment: PM2-PP3